The following is an entry in ClinVar:

NM_001018005.2(TPM1):c.673A>G (p.Ile225Val)

Gene: TPM1 (tropomyosin 1; plus strand). Cytogenetic location: 15q22.2.
Variant type: single nucleotide variant.
Coding change: c.673A>G on transcript NM_001018005.2 (MANE Select); coding-DNA position 673, A replaced by G.
Protein change: p.Ile225Val; replaces isoleucine 225 with valine.
Molecular consequence: missense variant.
Genome position (GRCh38, 1-based): chr15:63,062,248, A>G. VCF-style: chr15-63062248-A-G. GRCh37 (hg19) VCF-style: chr15-63354447-A-G.
Other names: p.I225V:ATC>GTC; c.673A>G, p.Ile225Val (NM_000366.6, NM_001018004.2, NM_001018006.2 and 6 more transcripts); c.565A>G, p.Ile189Val (NM_001018008.2, NM_001301289.2, NM_001330344.2 and 5 more transcripts); c.799A>G, p.Ile267Val (NM_001365778.1); short protein forms I225V, I267V, I189V.
Identifiers: ClinVar variation 36887 (VCV000036887.15), dbSNP rs193922410, ClinGen allele CA018261.

ClinVar aggregate classification (germline): Uncertain significance. Review status: criteria provided, multiple submitters, no conflicts (2 of 4 stars). 4 submissions from 4 submitters: Uncertain significance (4). Last evaluated 2023-05-05.

Conditions:
Cardiomyopathy (CMYO). Also called: Cardiomyopathies. Identifiers: Orphanet 167848, MedGen C0878544, MONDO:0004994, HP:0001638. Inheritance: Various modes of inheritance.
Hypertrophic cardiomyopathy. Also called: HYPERTROPHIC MYOCARDIOPATHY. Identifiers: Orphanet 217569, MedGen C0007194, MeSH D002312, MONDO:0005045, HP:0001639.

Allele frequency attached by ClinVar (database versions not stated): gnomAD exomes below 0.00001; gnomAD 0.00001.
gnomAD v4.1: 2 of 1,614,022 alleles (0.00012%); highest among the groups gnomAD compares: Admixed American, 0.0017%; no homozygotes.

Submissions (4):

Labcorp Genetics (formerly Invitae), Labcorp
Classification: Uncertain significance for Hypertrophic cardiomyopathy. Last evaluated: 2023-05-05. Review status: criteria provided, single submitter. Criteria: Invitae Variant Classification Sherloc (09022015). Collection method: clinical testing. Allele origin: germline.
Comment: This sequence change replaces isoleucine, which is neutral and non-polar, with valine, which is neutral and non-polar, at codon 225 of the TPM1 protein (p.Ile225Val). This variant is present in population databases (rs193922410, gnomAD 0.0009%). This missense change has been observed in individual(s) with hypertrophic cardiomyopathy (Invitae). ClinVar contains an entry for this variant (Variation ID: 36887). An algorithm developed to predict the effect of missense changes on protein structure and function (PolyPhen-2) suggests that this variant is likely to be disruptive. In summary, the available evidence is currently insufficient to determine the role of this variant in disease. Therefore, it has been classified as a Variant of Uncertain Significance.

CHEO Genetics Diagnostic Laboratory, Children's Hospital of Eastern Ontario
Classification: Uncertain significance for Cardiomyopathy. Last evaluated: 2022-03-02. Review status: criteria provided, single submitter. Criteria: ACMG Guidelines, 2015. Collection method: clinical testing. Allele origin: germline.

Women's Health and Genetics/Laboratory Corporation of America, LabCorp
Classification: Uncertain significance. Last evaluated: 2019-01-24. Review status: criteria provided, single submitter. Criteria: LabCorp Variant Classification Summary - May 2015. Collection method: clinical testing. Allele origin: germline.
Comment: Variant summary: TPM1 c.673A>G (p.Ile225Val) results in a conservative amino acid change in the encoded protein sequence. Three of five in-silico tools predict a benign effect of the variant on protein function. The variant allele was found at a frequency of 4.1e-06 in 246128 control chromosomes. The available data on variant occurrences in the general population are insufficient to allow any conclusion about variant significance. To our knowledge, no occurrence of c.673A>G in individuals affected with Hypertrophic Cardiomyopathy and no experimental evidence demonstrating its impact on protein function have been reported. No clinical diagnostic laboratories have submitted clinical-significance assessments for this variant to ClinVar after 2014. This variant was previously classified as a VUS-possibly pathogenic variant that was converted during ClinVar submission to likely pathogenic in 2011. Based on the absence of any new evidence outlined above, the variant is now classified as uncertain significance.

GeneDx
Classification: Uncertain significance. Last evaluated: 2014-03-30. Review status: criteria provided, single submitter. Criteria: GeneDx Variant Classification (06012015). Collection method: clinical testing. Allele origin: germline. Affected: yes.
Comment: A variant of unknown significance has been identified in the TPM1 gene. The I225V variant has not been published as a mutation, nor has it been reported as a benign polymorphism to our knowledge. The I225V variant was not observed in approximately 6,500 individuals of European and African American ancestry in the NHLBI Exome Sequencing Project, indicating it is not a common benign variant in these populations. The I225V variant is a conservative amino acid substitution, which is not likely to impact secondary protein structure as these residues share similar properties. This substitution occurs at a position that is conserved across species. In silico analysis is inconsistent in its predictions as to whether or not the variant is damaging to the protein structure/function. Missense mutations in nearby residues (S215L and D230N) have been reported in association with cardiomyopathy, supporting the functional importance of this region of the protein. Therefore, based on the currently available information, it is unclear whether this variant is a pathogenic mutation or a rare benign variant. This result cannot be interpreted for diagnosis or used for family member screening at this time. The variant is found in HCM panel(s).